The following is an entry in ClinVar:

NM_001378964.1(CDON):c.2071G>A (p.Val691Met)

Gene: CDON (cell adhesion associated, oncogene regulated; minus strand). Cytogenetic location: 11q24.2.
Variant type: single nucleotide variant.
Coding change: c.2071G>A on transcript NM_001378964.1 (MANE Select); coding-DNA position 2071, G replaced by A.
Protein change: p.Val691Met; replaces valine 691 with methionine.
Molecular consequence: missense variant.
Genome position (GRCh38, 1-based): chr11:126,001,806, C>T on the plus strand (G>A on the coding strand, the complement: CDON is on the minus strand). VCF-style: chr11-126001806-C-T. GRCh37 (hg19) VCF-style: chr11-125871701-C-T.
Other names: c.2071G>A, p.Val691Met (NM_001243597.3, NM_016952.6); short protein forms V691M.
Identifiers: ClinVar variation 877782 (VCV000877782.9), dbSNP rs139323558, ClinGen allele CA6351844.
Genomic context (GRCh38, chr11:126,001,806, plus strand): 5'-GTACCACTCCAAAATTGTTGTTTGCAGCCTCTGAAACAACGGGATACTTAGGGATGCCCA[C>T]GGGTGGAGAGGATGCCTGGGTGTTTTTTGATGACGCTGTTTTTTCTAGAAAGGTAAATAA-3'
Protein context (NP_001365893.1, residues 681-701): SKNTQASSPP[Val691Met]GIPKYPVVSE

ClinVar aggregate classification (germline): Uncertain significance. Review status: criteria provided, multiple submitters, no conflicts (2 of 4 stars). 3 submissions from 3 submitters: Uncertain significance (3). Last evaluated 2025-03-17.

Conditions:
Holoprosencephaly 11 (HPE11). Identifiers: Orphanet 2162, MedGen C3280215, MONDO:0013642, OMIM 614226.

Allele frequency attached by ClinVar (database versions not stated): TOPMed 0.00014; ESP Exome Variant Server 0.00023.
gnomAD v4.1: 299 of 1,610,818 alleles (0.019%); highest among the groups gnomAD compares: Non-Finnish European, 0.024%; no homozygotes.

Submissions (3):

Labcorp Genetics (formerly Invitae), Labcorp
Classification: Uncertain significance for Holoprosencephaly 11. Last evaluated: 2025-03-17. Review status: criteria provided, single submitter. Criteria: Invitae Variant Classification Sherloc (09022015). Collection method: clinical testing. Allele origin: germline.
Comment: This sequence change replaces valine, which is neutral and non-polar, with methionine, which is neutral and non-polar, at codon 691 of the CDON protein (p.Val691Met). This variant is present in population databases (rs139323558, gnomAD 0.02%). This missense change has been observed in individual(s) with clinical features of holoprosencephaly (PMID: 21802063). ClinVar contains an entry for this variant (Variation ID: 877782). Invitae Evidence Modeling of protein sequence and biophysical properties (such as structural, functional, and spatial information, amino acid conservation, physicochemical variation, residue mobility, and thermodynamic stability) indicates that this missense variant is not expected to disrupt CDON protein function with a negative predictive value of 80%. In summary, the available evidence is currently insufficient to determine the role of this variant in disease. Therefore, it has been classified as a Variant of Uncertain Significance.

Department of Pathology and Laboratory Medicine, Sinai Health System
Classification: Uncertain significance for Holoprosencephaly 11. Last evaluated: 2023-04-18. Review status: criteria provided, single submitter. Criteria: ACMG Guidelines, 2015. Collection method: research. Allele origin: germline.

Illumina Laboratory Services, Illumina
Classification: Uncertain significance for Holoprosencephaly 11. Last evaluated: 2017-04-27. Review status: criteria provided, single submitter. Criteria: ICSL Variant Classification Criteria 13 December 2019. Collection method: clinical testing. Allele origin: germline.
Comment: This variant was observed as part of a predisposition screen in an ostensibly healthy population. A literature search was performed for the gene, cDNA change, and amino acid change (where applicable). Publications were found based on this search. However, the evidence from the literature, in combination with allele frequency data from public databases where available, was not sufficient to rule this variant in or out of causing disease. Therefore, this variant is classified as a variant of unknown significance.

Literature cited by the submitters: PubMed 21802063 (cited by Labcorp Genetics (formerly Invitae), Labcorp and Illumina Laboratory Services, Illumina).